The following is an entry in ClinVar:

ClinVar aggregate classification (germline): Uncertain significance (1 of 4 stars; one submission).

Conditions:
Cowden syndrome (CS). Also called: Cowden's disease; Cowden's syndrome; Cowden disease. Identifiers: Orphanet 201, MedGen C0018553, MONDO:0016063. Disease mechanism: gain of function.

Allele frequency attached by ClinVar (database versions not stated): gnomAD exomes below 0.00001; TOPMed below 0.00001; ExAC 0.00001; gnomAD 0.00001.
gnomAD v4.1: 26 of 1,613,764 alleles (0.0016%); highest among the groups gnomAD compares: Non-Finnish European, 0.0022%; no homozygotes.

Submission:

Labcorp Genetics (formerly Invitae), Labcorp
Classification: Uncertain significance for Cowden syndrome. Last evaluated: 2022-12-03. Review status: criteria provided, single submitter. Criteria: Invitae Variant Classification Sherloc (09022015). Collection method: clinical testing. Allele origin: germline.
Comment: This variant is present in population databases (rs772628045, gnomAD 0.0009%). This sequence change replaces aspartic acid, which is acidic and polar, with tyrosine, which is neutral and polar, at codon 478 of the PIK3CA protein (p.Asp478Tyr). This variant has not been reported in the literature in individuals affected with PIK3CA-related conditions. In summary, the available evidence is currently insufficient to determine the role of this variant in disease. Therefore, it has been classified as a Variant of Uncertain Significance. Advanced modeling of protein sequence and biophysical properties (such as structural, functional, and spatial information, amino acid conservation, physicochemical variation, residue mobility, and thermodynamic stability) has been performed at Invitae for this missense variant, however the output from this modeling did not meet the statistical confidence thresholds required to predict the impact of this variant on PIK3CA protein function. ClinVar contains an entry for this variant (Variation ID: 645595).

NM_006218.4(PIK3CA):c.1432G>T (p.Asp478Tyr)

Gene: PIK3CA (phosphatidylinositol-4,5-bisphosphate 3-kinase catalytic subunit alpha; plus strand). Cytogenetic location: 3q26.32.
Variant type: single nucleotide variant.
Coding change: c.1432G>T on transcript NM_006218.4 (MANE Select); coding-DNA position 1432, G replaced by T.
Protein change: p.Asp478Tyr; replaces aspartic acid 478 with tyrosine.
Molecular consequence: missense variant.
Genome position (GRCh38, 1-based): chr3:179,210,458, G>T. VCF-style: chr3-179210458-G-T. GRCh37 (hg19) VCF-style: chr3-178928246-G-T.
Other names: c.1432G>T (LRG_310t1); short protein forms D478Y.
Identifiers: ClinVar variation 645595 (VCV000645595.9), dbSNP rs772628045, ClinGen allele CA2710722.